The following is an entry in ClinVar:

ClinVar aggregate classification (germline): Uncertain significance. Review status: criteria provided, multiple submitters, no conflicts (2 of 4 stars). 2 submissions from 2 submitters: Uncertain significance (2). Last evaluated 2026-08-06.

Conditions:
Pseudoxanthoma elasticum, forme fruste. Also called: PSEUDOXANTHOMA ELASTICUM, HETEROZYGOUS; Pseudoxanthoma Elasticum, Incomplete. Identifiers: Orphanet 758, MedGen C1867450, MONDO:0008333, OMIM 177850.

Submissions (2):

OLLIN Analises Genomicas, OLLIN
Classification: Uncertain significance for Pseudoxanthoma elasticum, forme fruste. Last evaluated: 2026-08-06. Review status: criteria provided, single submitter. Criteria: ACMG Guidelines 2015 PMID 25741868. Collection method: clinical testing. Allele origin: germline. Inheritance: Autosomal recessive inheritance.
Comment: This missense variant, located in exon 26 (of 31), is absent from gnomAD and has not been identified in the literature. However, it has been reported in ClinVar (accession VCV001907062.3). In silico analysis predicts that this variant has a deleterious effect. According to the currently available evidence, this variant has been classified as uncertain significance (PM2_P, PP3_M).

Labcorp Genetics (formerly Invitae), Labcorp
Classification: Uncertain significance. Last evaluated: 2022-06-08. Review status: criteria provided, single submitter. Criteria: Invitae Variant Classification Sherloc (09022015). Collection method: clinical testing. Allele origin: germline.
Comment: This variant has not been reported in the literature in individuals affected with ABCC6-related conditions. In summary, the available evidence is currently insufficient to determine the role of this variant in disease. Therefore, it has been classified as a Variant of Uncertain Significance. Algorithms developed to predict the effect of sequence changes on RNA splicing suggest that this variant may create or strengthen a splice site. Algorithms developed to predict the effect of missense changes on protein structure and function are either unavailable or do not agree on the potential impact of this missense change (SIFT: "Deleterious"; PolyPhen-2: "Possibly Damaging"; Align-GVGD: "Class C0"). This variant is not present in population databases (gnomAD no frequency). This sequence change replaces aspartic acid, which is acidic and polar, with valine, which is neutral and non-polar, at codon 1238 of the ABCC6 protein (p.Asp1238Val).

NM_001171.6(ABCC6):c.3713A>T (p.Asp1238Val)

Gene: ABCC6 (ATP binding cassette subfamily C member 6; minus strand). Cytogenetic location: 16p13.11.
Variant type: single nucleotide variant.
Coding change: c.3713A>T on transcript NM_001171.6 (MANE Select); coding-DNA position 3713, A replaced by T.
Protein change: p.Asp1238Val; replaces aspartic acid 1238 with valine.
Molecular consequence: missense variant. On other transcripts: non-coding transcript variant (1).
Genome position (GRCh38, 1-based): chr16:16,159,504, T>A on the plus strand (A>T on the coding strand, the complement: ABCC6 is on the minus strand). VCF-style: chr16-16159504-T-A. GRCh37 (hg19) VCF-style: chr16-16253361-T-A.
Other names: c.3371A>T, p.Asp1124Val (NM_001351800.1); short protein forms D1238V, D1124V.
Identifiers: ClinVar variation 1907062 (VCV001907062.4), dbSNP rs1252641341, ClinGen allele CA394878716.